The following is an entry in ClinVar:

ClinVar aggregate classification (germline): Likely benign. Review status: criteria provided, multiple submitters, no conflicts (2 of 4 stars). 3 submissions from 3 submitters: Likely benign (3). Last evaluated 2026-01-26.

Conditions:
Charcot-Marie-Tooth disease type 2. Also called: Charcot-Marie-Tooth type 2. Identifiers: Orphanet 64746, MedGen C0270914, MONDO:0018993.
Inborn genetic diseases. Identifiers: MedGen C0950123, MeSH D030342.

Allele frequency attached by ClinVar (database versions not stated): ExAC 0.00002; ESP Exome Variant Server 0.00008; gnomAD 0.00003 and 0.00004; TOPMed 0.00006; gnomAD exomes 0.00002.

Submissions (3):

Labcorp Genetics (formerly Invitae), Labcorp
Classification: Likely benign for Charcot-Marie-Tooth disease type 2. Last evaluated: 2026-01-26. Review status: criteria provided, single submitter. Criteria: Invitae Variant Classification Sherloc (09022015). Collection method: clinical testing. Allele origin: germline.

Ambry Genetics
Classification: Likely benign for Inborn genetic diseases. Last evaluated: 2019-07-11. Review status: criteria provided, single submitter. Criteria: Ambry Variant Classification Scheme 2023. Collection method: clinical testing. Allele origin: germline.

GeneDx
Classification: Likely benign. Last evaluated: 2016-06-06. Review status: criteria provided, single submitter. Criteria: GeneDx Variant Classification (06012015). Collection method: clinical testing. Allele origin: germline. Affected: yes.
Comment: This variant is considered likely benign or benign based on one or more of the following criteria: it is a conservative change, it occurs at a poorly conserved position in the protein, it is predicted to be benign by multiple in silico algorithms, and/or has population frequency not consistent with disease.

NM_001605.3(AARS1):c.2532G>A (p.Lys844=)

Gene: AARS1 (alanyl-tRNA synthetase 1; minus strand). Cytogenetic location: 16q22.1.
Variant type: single nucleotide variant.
Coding change: c.2532G>A on transcript NM_001605.3 (MANE Select); coding-DNA position 2532, G replaced by A.
Protein change: p.Lys844=; no amino-acid change (lysine 844 retained).
Molecular consequence: synonymous variant.
Genome position (GRCh38, 1-based): chr16:70,253,789, C>T on the plus strand (G>A on the coding strand, the complement: AARS1 is on the minus strand). VCF-style: chr16-70253789-C-T. GRCh37 (hg19) VCF-style: chr16-70287692-C-T.
Identifiers: ClinVar variation 386350 (VCV000386350.10), dbSNP rs371712914, ClinGen allele CA8140371.
Genomic context (GRCh38, chr16:70,253,789, plus strand): 5'-GCTCTCCATCTCCAGGATGACAAGAGGCTGGTTGGGGTTGCTGTCGATGAACTGCTTCGT[C>T]TTCTCTAACACCTGCAAGAAAAAAGTCCAGAACAGCAGCTCAGACCAAAAGCCCAGGCCC-3'
Protein context (NP_001596.2, residues 834-854): KADVQKRVLE[Lys844=]TKQFIDSNPN